The following is an entry in ClinVar:

NM_000540.3(RYR1):c.12061G>A (p.Asp4021Asn)

Gene: RYR1 (ryanodine receptor 1; plus strand). Cytogenetic location: 19q13.2.
Variant type: single nucleotide variant.
Coding change: c.12061G>A on transcript NM_000540.3 (MANE Select); coding-DNA position 12061, G replaced by A.
Protein change: p.Asp4021Asn; replaces aspartic acid 4021 with asparagine.
Molecular consequence: missense variant.
Genome position (GRCh38, 1-based): chr19:38,546,493, G>A. VCF-style: chr19-38546493-G-A. GRCh37 (hg19) VCF-style: chr19-39037133-G-A.
Other names: c.12046G>A, p.Asp4016Asn (NM_001042723.2); short protein forms D4016N, D4021N.
Identifiers: ClinVar variation 1470880 (VCV001470880.5), dbSNP rs2145784423, ClinGen allele CA405663980.

ClinVar aggregate classification (germline): Uncertain significance (1 of 4 stars; one submission).

Conditions:
RYR1-related disorder. Also called: RYR1-related condition; RYR1-related disorders. Identifiers: MedGen CN239331.

Allele frequency attached by ClinVar (database versions not stated): gnomAD exomes below 0.00001.
gnomAD v4.1: 1 of 1,613,760 alleles (0.000062%); highest among the groups gnomAD compares: Non-Finnish European, 0.000085%; no homozygotes.

Submission:

Labcorp Genetics (formerly Invitae), Labcorp
Classification: Uncertain significance for RYR1-related disorder. Last evaluated: 2021-09-24. Review status: criteria provided, single submitter. Criteria: Invitae Variant Classification Sherloc (09022015). Collection method: clinical testing. Allele origin: germline.
Comment: This sequence change replaces aspartic acid with asparagine at codon 4021 of the RYR1 protein (p.Asp4021Asn). The aspartic acid residue is moderately conserved and there is a small physicochemical difference between aspartic acid and asparagine. This variant is not present in population databases (ExAC no frequency). This variant has not been reported in the literature in individuals with RYR1-related conditions. Advanced modeling of protein sequence and biophysical properties (such as structural, functional, and spatial information, amino acid conservation, physicochemical variation, residue mobility, and thermodynamic stability) performed at Invitae indicates that this missense variant is not expected to disrupt RYR1 protein function. In summary, the available evidence is currently insufficient to determine the role of this variant in disease. Therefore, it has been classified as a Variant of Uncertain Significance.